The following is an entry in ClinVar:

NM_001723.7(DST):c.7786C>G (p.Gln2596Glu)

Gene: DST (dystonin; minus strand). Cytogenetic location: 6p12.1.
Variant type: single nucleotide variant.
Coding change: c.7786C>G on transcript NM_001723.7 (MANE Plus Clinical); coding-DNA position 7786, C replaced by G.
Protein change: p.Gln2596Glu; replaces glutamine 2596 with glutamic acid.
Molecular consequence: missense variant. On other transcripts: intron variant (10).
Genome position (GRCh38, 1-based): chr6:56,615,681, G>C on the plus strand (C>G on the coding strand, the complement: DST is on the minus strand). VCF-style: chr6-56615681-G-C. GRCh37 (hg19) VCF-style: chr6-56480479-G-C.
Other names: c.4831-1197C>G (NM_001144769.5); c.4930-1197C>G (NM_001374722.1, NM_001374736.1); c.4957-1197C>G (NM_001374734.1); c.4417-1197C>G (NM_001144770.2); c.4297-1197C>G (NM_001374730.1, NM_001386100.1, NM_183380.4 and 1 more transcripts); c.3319-1197C>G (NM_015548.5); short protein forms Q2596E.
Identifiers: ClinVar variation 1008219 (VCV001008219.9), dbSNP rs904880554, ClinGen allele CA139204970.

ClinVar aggregate classification (germline): Uncertain significance (1 of 4 stars; one submission).

Conditions:
Epidermolysis bullosa simplex 3, localized or generalized intermediate, with BP230 deficiency (EBS3). Also called: Epidermolysis bullosa simplex due to BP230 deficiency; Epidermolysis bullosa simplex, autosomal recessive 2. Identifiers: Orphanet 412181, MedGen C3809470, MONDO:0014180, OMIM 615425.
Hereditary sensory and autonomic neuropathy type 6. Also called: HSAN VI; Neuropathy, hereditary sensory and autonomic, type VI. Identifiers: Orphanet 314381, MedGen C3539003, MONDO:0013839, OMIM 614653.

Allele frequency attached by ClinVar (database versions not stated): gnomAD 0.00001; TOPMed 0.00002.
gnomAD v4.1: 1 of 1,613,906 alleles (0.000062%); highest among the groups gnomAD compares: Admixed American, 0.0017%; no homozygotes.

Submission:

Labcorp Genetics (formerly Invitae), Labcorp
Classification: Uncertain significance for Epidermolysis bullosa simplex 3, localized or generalized intermediate, with BP230 deficiency; Hereditary sensory and autonomic neuropathy type 6. Last evaluated: 2022-09-13. Review status: criteria provided, single submitter. Criteria: Invitae Variant Classification Sherloc (09022015). Collection method: clinical testing. Allele origin: germline.
Comment: This sequence change replaces glutamine, which is neutral and polar, with glutamic acid, which is acidic and polar, at codon 2596 of the DST protein (p.Gln2596Glu). In summary, the available evidence is currently insufficient to determine the role of this variant in disease. Therefore, it has been classified as a Variant of Uncertain Significance. Algorithms developed to predict the effect of missense changes on protein structure and function are either unavailable or do not agree on the potential impact of this missense change (SIFT: "Deleterious"; PolyPhen-2: "Benign"; Align-GVGD: "Class C0"). ClinVar contains an entry for this variant (Variation ID: 1008219). This variant has not been reported in the literature in individuals affected with DST-related conditions. This variant is not present in population databases (gnomAD no frequency).